The following is an entry in ClinVar:

ClinVar aggregate classification (germline): Conflicting classifications of pathogenicity. Review status: criteria provided, conflicting classifications (1 of 4 stars). 4 submissions from 4 submitters: Uncertain significance (1); Likely benign (3). Last evaluated 2025-12-15.

Conditions:
Noonan syndrome and Noonan-related syndrome. Identifiers: Orphanet 98733, MedGen C5681679, MONDO:0020297.
Cardiovascular phenotype. Identifiers: MedGen CN230736.
RASopathy. Also called: rasopathies; Noonan spectrum disorder. Identifiers: Orphanet 536391, MedGen C5555857, MONDO:0021060.

Allele frequency attached by ClinVar (database versions not stated): gnomAD exomes below 0.00001 and 0.00002; gnomAD 0.00001; ExAC 0.00002; TOPMed 0.00002.
gnomAD v4.1: 11 of 1,614,002 alleles (0.00068%); highest among the groups gnomAD compares: Middle Eastern, 0.016%; no homozygotes.

Submissions (4):

Labcorp Genetics (formerly Invitae), Labcorp
Classification: Likely benign for RASopathy. Last evaluated: 2025-12-15. Review status: criteria provided, single submitter. Criteria: Invitae Variant Classification Sherloc (09022015). Collection method: clinical testing. Allele origin: germline.

Ambry Genetics
Classification: Likely benign for Cardiovascular phenotype. Last evaluated: 2022-08-16. Review status: criteria provided, single submitter. Criteria: Ambry Variant Classification Scheme 2023. Collection method: clinical testing. Allele origin: germline.

GeneDx
Classification: Likely benign. Last evaluated: 2018-02-27. Review status: criteria provided, single submitter. Criteria: GeneDx Variant Classification (06012015). Collection method: clinical testing. Allele origin: germline. Affected: yes.
Comment: This variant is considered likely benign or benign based on one or more of the following criteria: it is a conservative change, it occurs at a poorly conserved position in the protein, it is predicted to be benign by multiple in silico algorithms, and/or has population frequency not consistent with disease.

Genome Diagnostics Laboratory, The Hospital for Sick Children
Classification: Uncertain significance for Noonan syndrome and Noonan-related syndrome. Last evaluated: 2016-12-12. Review status: criteria provided, single submitter. Criteria: ACMG Guidelines, 2015. Collection method: clinical testing. Allele origin: germline.

NM_002524.5(NRAS):c.432C>T (p.Thr144=)

Gene: NRAS (NRAS proto-oncogene, GTPase; minus strand). Cytogenetic location: 1p13.2.
Variant type: single nucleotide variant.
Coding change: c.432C>T on transcript NM_002524.5 (MANE Select); coding-DNA position 432, C replaced by T.
Protein change: p.Thr144=; no amino-acid change (threonine 144 retained).
Molecular consequence: synonymous variant.
Genome position (GRCh38, 1-based): chr1:114,709,587, G>A on the plus strand (C>T on the coding strand, the complement: NRAS is on the minus strand). VCF-style: chr1-114709587-G-A. GRCh37 (hg19) VCF-style: chr1-115252208-G-A.
Other names: c.432C>T (LRG_92t1).
Identifiers: ClinVar variation 515883 (VCV000515883.14), dbSNP rs753079400, ClinGen allele CA1020709.